The following is an entry in ClinVar:

ClinVar aggregate classification (germline): Uncertain significance (1 of 4 stars; one submission).

Conditions:
Inborn genetic diseases. Identifiers: MedGen C0950123, MeSH D030342.

Submission:

Ambry Genetics
Classification: Uncertain significance for Inborn genetic diseases. Last evaluated: 2025-08-19. Review status: criteria provided, single submitter. Criteria: Ambry Variant Classification Scheme 2023. Collection method: clinical testing. Allele origin: germline.
Comment: The p.T241S variant (also known as c.722C>G), located in coding exon 6 of the HAX1 gene, results from a C to G substitution at nucleotide position 722. The threonine at codon 241 is replaced by serine, an amino acid with similar properties. This amino acid position is conserved. In addition, the in silico prediction for this alteration is inconclusive. Based on the available evidence, the clinical significance of this variant remains unclear.

NM_006118.4(HAX1):c.722C>G (p.Thr241Ser)

Gene: HAX1 (HCLS1 associated protein X-1; plus strand). Cytogenetic location: 1q21.3.
Variant type: single nucleotide variant.
Coding change: c.722C>G on transcript NM_006118.4 (MANE Select); coding-DNA position 722, C replaced by G.
Protein change: p.Thr241Ser; replaces threonine 241 with serine.
Molecular consequence: missense variant.
Genome position (GRCh38, 1-based): chr1:154,275,451, C>G. VCF-style: chr1-154275451-C-G. GRCh37 (hg19) VCF-style: chr1-154247927-C-G.
Other names: c.578C>G, p.Thr193Ser (NM_001018837.2); short protein forms T241S, T193S.
Identifiers: ClinVar variation 4269045 (VCV004269045.1).